The following is an entry in ClinVar:

ClinVar aggregate classification (germline): Conflicting classifications of pathogenicity. Review status: criteria provided, conflicting classifications (1 of 4 stars). 3 submissions from 3 submitters: Uncertain significance (2); Likely benign (1). Last evaluated 2025-04-08.

Conditions:
Usher syndrome type 2C. Also called: Usher syndrome, type 2B; USHER SYNDROME, TYPE IIC. Identifiers: Orphanet 231178, Orphanet 886, MedGen C2931213, MONDO:0011558, OMIM 605472.

Allele frequency attached by ClinVar (database versions not stated): gnomAD exomes below 0.00001 and 0.00001; ExAC 0.00001; gnomAD 0.00001; TOPMed 0.00002.
gnomAD v4.1: 10 of 1,613,656 alleles (0.00062%); highest among the groups gnomAD compares: East Asian, 0.0022%; no homozygotes.

Submissions (3):

Labcorp Genetics (formerly Invitae), Labcorp
Classification: Likely benign. Last evaluated: 2025-04-08. Review status: criteria provided, single submitter. Criteria: Invitae Variant Classification Sherloc (09022015). Collection method: clinical testing. Allele origin: germline.

Blueprint Genetics
Classification: Uncertain significance. Last evaluated: 2024-06-06. Review status: criteria provided, single submitter. Criteria: ACMG Guidelines, 2015. Collection method: clinical testing. Allele origin: germline.

Victorian Clinical Genetics Services, Murdoch Childrens Research Institute
Classification: Uncertain significance for Usher syndrome type 2C. Last evaluated: 2022-02-02. Review status: criteria provided, single submitter. Criteria: ACMG Guidelines, 2015. Collection method: clinical testing. Allele origin: germline. Inheritance: Autosomal recessive inheritance. Affected: yes.
Comment: Based on the classification scheme VCGS_Germline_v1.3.4, this variant is classified as VUS-3B. Following criteria are met: 0102 - Loss of function is a known mechanism of disease in this gene and is associated with Usher syndrome, type 2C (MIM#605472). (I) 0106 - This gene is associated with autosomal recessive disease. (I) 0200 - Variant is predicted to result in a missense amino acid change from arginine to tryptophan. (I) 0251 - This variant is heterozygous. (I) 0304 - Variant is present in gnomAD <0.01 for a recessive condition (v2: 4 heterozygotes, 0 homozygotes). (SP) 0309 - An alternative amino acid change at the same position has been observed in gnomAD (v2: 7 heterozygotes, 0 homozygotes). (I) 0502 - Missense variant with conflicting in silico predictions and uninformative conservation. (I) 0600 - Variant is located in the annotated Calx-beta domain (Pfam). (I) 0705 - No comparable missense variants have previous evidence for pathogenicity. (I) 0809 - Previous evidence of pathogenicity for this variant is inconclusive. It has been classified as a VUS by a diagnostic laboratory in ClinVar. (I) 0905 - No published segregation evidence has been identified for this variant. (I) 1007 - No published functional evidence has been identified for this variant. (I) 1208 - Inheritance information for this variant is not currently available in this individual. (I) Legend: (SP) - Supporting pathogenic, (I) - Information, (SB) - Supporting benign

NM_032119.4(ADGRV1):c.1309C>T (p.Arg437Trp)

Gene: ADGRV1 (adhesion G protein-coupled receptor V1; plus strand). Cytogenetic location: 5q14.3.
Variant type: single nucleotide variant.
Coding change: c.1309C>T on transcript NM_032119.4 (MANE Select); coding-DNA position 1309, C replaced by T.
Protein change: p.Arg437Trp; replaces arginine 437 with tryptophan.
Molecular consequence: missense variant. On other transcripts: non-coding transcript variant (1).
Genome position (GRCh38, 1-based): chr5:90,628,632, C>T. VCF-style: chr5-90628632-C-T. GRCh37 (hg19) VCF-style: chr5-89924449-C-T.
Other names: short protein forms R437W.
Identifiers: ClinVar variation 1055556 (VCV001055556.13), dbSNP rs765063390, ClinGen allele CA3338667.